The following is an entry in ClinVar:

ClinVar aggregate classification (germline): Uncertain significance (1 of 4 stars; one submission).

Conditions:
Temtamy preaxial brachydactyly syndrome (TPBS). Identifiers: Orphanet 363417, MedGen C1854466, MONDO:0011533, OMIM 605282.

Allele frequency attached by ClinVar (database versions not stated): gnomAD 0.00001; gnomAD exomes 0.00002; TOPMed 0.00002; ExAC 0.00003.

Submission:

Labcorp Genetics (formerly Invitae), Labcorp
Classification: Uncertain significance for Temtamy preaxial brachydactyly syndrome. Last evaluated: 2024-04-23. Review status: criteria provided, single submitter. Criteria: Invitae Variant Classification Sherloc (09022015). Collection method: clinical testing. Allele origin: germline.
Comment: This sequence change replaces arginine, which is basic and polar, with histidine, which is basic and polar, at codon 330 of the CHSY1 protein (p.Arg330His). This variant is present in population databases (rs749508854, gnomAD 0.006%). This variant has not been reported in the literature in individuals affected with CHSY1-related conditions. ClinVar contains an entry for this variant (Variation ID: 1005062). Advanced modeling of protein sequence and biophysical properties (such as structural, functional, and spatial information, amino acid conservation, physicochemical variation, residue mobility, and thermodynamic stability) performed at Invitae indicates that this missense variant is expected to disrupt CHSY1 protein function with a positive predictive value of 80%. In summary, the available evidence is currently insufficient to determine the role of this variant in disease. Therefore, it has been classified as a Variant of Uncertain Significance.

NM_014918.5(CHSY1):c.989G>A (p.Arg330His)

Gene: CHSY1 (chondroitin sulfate synthase 1; minus strand). Cytogenetic location: 15q26.3.
Variant type: single nucleotide variant.
Coding change: c.989G>A on transcript NM_014918.5 (MANE Select); coding-DNA position 989, G replaced by A.
Protein change: p.Arg330His; replaces arginine 330 with histidine.
Molecular consequence: missense variant.
Genome position (GRCh38, 1-based): chr15:101,178,808, C>T on the plus strand (G>A on the coding strand, the complement: CHSY1 is on the minus strand). VCF-style: chr15-101178808-C-T. GRCh37 (hg19) VCF-style: chr15-101719013-C-T.
Other names: short protein forms R330H.
Identifiers: ClinVar variation 1005062 (VCV001005062.7), dbSNP rs749508854, ClinGen allele CA7762615.
Genomic context (GRCh38, chr15:101,178,808, plus strand): 5'-TGAATTTCTGTGTTGCTGTATTTGCTCATCAGGACAATTTCGCGGTGCAGCTGTATTGTG[C>T]GATGGCGGAGCTCGGATATCTTGCGGCTCAGCATGTAGCTGTGGAGCCTGTACTGGTAGG-3'
Protein context (NP_055733.2, residues 320-340): LSRKISELRH[Arg330His]TIQLHREIVL